The following is an entry in ClinVar:

ClinVar aggregate classification (germline): Pathogenic. Review status: criteria provided, single submitter (1 of 4 stars). 3 submissions from 3 submitters: Pathogenic (1). 2 of the submissions do not count toward it. Last evaluated 2024-06-20.

Conditions:
Autosomal dominant Robinow syndrome 1. Also called: WNT5A-Related Robinow Syndrome, Autosomal Dominant; ACRAL DYSOSTOSIS WITH FACIAL AND GENITAL ABNORMALITIES; Covesdem syndrome (formerly); Costovertebral segmentation defect with mesomelia (formerly); FETAL FACE SYNDROME; ROBINOW DWARFISM. Identifiers: Orphanet 3107, Orphanet 97360, MedGen C4551475, MONDO:0024455, OMIM 180700.

Submissions (3):

Labcorp Genetics (formerly Invitae), Labcorp
Classification: Pathogenic. Last evaluated: 2024-06-20. Review status: criteria provided, single submitter. Criteria: Invitae Variant Classification Sherloc (09022015). Collection method: clinical testing. Allele origin: germline.
Comment: This sequence change replaces tyrosine, which is neutral and polar, with cysteine, which is neutral and slightly polar, at codon 86 of the WNT5A protein (p.Tyr86Cys). This variant is not present in population databases (gnomAD no frequency). This missense change has been observed in individual(s) with Robinow syndrome (PMID: 24716670). In at least one individual the variant was observed to be de novo. ClinVar contains an entry for this variant (Variation ID: 162612). Advanced modeling of protein sequence and biophysical properties (such as structural, functional, and spatial information, amino acid conservation, physicochemical variation, residue mobility, and thermodynamic stability) performed at Invitae indicates that this missense variant is expected to disrupt WNT5A protein function with a positive predictive value of 80%. For these reasons, this variant has been classified as Pathogenic.

OMIM
Classification: Pathogenic for ROBINOW SYNDROME, AUTOSOMAL DOMINANT 1. Last evaluated: 2015-01-01. Review status: no assertion criteria provided. Collection method: literature only. Allele origin: germline. Not counted in ClinVar's aggregate classification.

GeneReviews
No classification provided. Condition: Autosomal dominant Robinow syndrome 1. Review status: no classification provided. Collection method: literature only. Allele origin: germline. Affected: yes. Not counted in ClinVar's aggregate classification.

Literature cited by the submitters: PubMed 24716670 (cited by 3 submitters); NCBI Bookshelf NBK268648 (cited by GeneReviews).

NM_003392.7(WNT5A):c.257A>G (p.Tyr86Cys)

Gene: WNT5A (Wnt family member 5A; minus strand). Cytogenetic location: 3p14.3.
Variant type: single nucleotide variant.
Coding change: c.257A>G on transcript NM_003392.7 (MANE Select); coding-DNA position 257, A replaced by G.
Protein change: p.Tyr86Cys; replaces tyrosine 86 with cysteine.
Molecular consequence: missense variant.
Genome position (GRCh38, 1-based): chr3:55,479,448, T>C on the plus strand (A>G on the coding strand, the complement: WNT5A is on the minus strand). VCF-style: chr3-55479448-T-C. GRCh37 (hg19) VCF-style: chr3-55513476-T-C.
Other names: c.212A>G, p.Tyr71Cys (NM_001256105.1, NM_001377271.1, NM_001377272.1); short protein forms Y86C, Y71C.
Identifiers: ClinVar variation 162612 (VCV000162612.5), dbSNP rs786204836, ClinGen allele CA346838.